The following is an entry in ClinVar:

NM_000256.3(MYBPC3):c.1457+5G>C

Gene: MYBPC3 (myosin binding protein C3; minus strand). Cytogenetic location: 11p11.2.
Variant type: single nucleotide variant.
Coding change: c.1457+5G>C on transcript NM_000256.3 (MANE Select); 5 bases into the intron after coding-DNA position 1457, G replaced by C.
Molecular consequence: intron variant.
Genome position (GRCh38, 1-based): chr11:47,342,825, C>G on the plus strand (G>C on the coding strand, the complement: MYBPC3 is on the minus strand). VCF-style: chr11-47342825-C-G. GRCh37 (hg19) VCF-style: chr11-47364376-C-G.
Identifiers: ClinVar variation 164116 (VCV000164116.11), dbSNP rs727503202, ClinGen allele CA010350.

ClinVar aggregate classification (germline): Likely pathogenic. Review status: criteria provided, multiple submitters, no conflicts (2 of 4 stars). 4 submissions from 4 submitters: Likely pathogenic (3). 1 of the submissions does not count toward it. Last evaluated 2026-03-23.

Conditions:
Hypertrophic cardiomyopathy 4. Also called: Familial hypertrophic cardiomyopathy 4. Identifiers: MedGen C1861862, MONDO:0007268, OMIM 115197.
Hypertrophic cardiomyopathy. Also called: HYPERTROPHIC MYOCARDIOPATHY. Identifiers: Orphanet 217569, MedGen C0007194, MeSH D002312, MONDO:0005045, HP:0001639.

Allele frequency attached by ClinVar (database versions not stated): gnomAD exomes below 0.00001.
gnomAD v4.1: 2 of 1,612,488 alleles (0.00012%); highest among the groups gnomAD compares: Non-Finnish European, 0.00017%; no homozygotes.

Submissions (4):

GeneDx
Classification: Likely pathogenic. Last evaluated: 2026-03-23. Review status: criteria provided, single submitter. Criteria: GeneDx Variant Classification Process June 2021. Collection method: clinical testing. Allele origin: germline.
Comment: Published functional studies demonstrate a damaging effect through upstream exon skipping resulting in a frameshift and early termination (PMID: 32123317); Not observed at significant frequency in large population cohorts (gnomAD); This variant is associated with the following publications: (PMID: 28679633, 32123317, 34461741, 31006259, 25351510, 37652022, 34663891)

KardioGenetik, Herz- und Diabeteszentrum NRW
Classification: Likely pathogenic for Hypertrophic cardiomyopathy 4. Last evaluated: 2024-01-10. Review status: criteria provided, single submitter. Criteria: ACMG Guidelines, 2015. Collection method: clinical testing. Allele origin: unknown. Affected: yes. Observed: 1 variant allele.

Labcorp Genetics (formerly Invitae), Labcorp
Classification: Likely pathogenic for Hypertrophic cardiomyopathy. Last evaluated: 2021-11-08. Review status: criteria provided, single submitter. Criteria: Invitae Variant Classification Sherloc (09022015). Collection method: clinical testing. Allele origin: germline.
Comment: This sequence change falls in intron 16 of the MYBPC3 gene. It does not directly change the encoded amino acid sequence of the MYBPC3 protein. It affects a nucleotide within the consensus splice site. This variant is not present in population databases (gnomAD no frequency). This variant has been observed in individual(s) with hypertrophic cardiomyopathy (PMID: 25351510; Invitae). It has also been observed to segregate with disease in related individuals. ClinVar contains an entry for this variant (Variation ID: 164116). Variants that disrupt the consensus splice site are a relatively common cause of aberrant splicing (PMID: 17576681, 9536098). Studies have shown that this variant alters mRNA splicing and is expected to lead to the loss of protein expression (PMID: 28679633, 32123317). In summary, the currently available evidence indicates that the variant is pathogenic, but additional data are needed to prove that conclusively. Therefore, this variant has been classified as Likely Pathogenic.

Laboratory for Molecular Medicine, Mass General Brigham Personalized Medicine
Classification: Uncertain significance. Last evaluated: 2013-02-12. Review status: no assertion criteria provided. Collection method: clinical testing. Allele origin: germline. Observed: 1 variant allele. Not counted in ClinVar's aggregate classification.
Comment: proposed classification - variant undergoing re-assessment, contact laboratory

Literature cited by the submitters: PubMed 25351510 (cited by Labcorp Genetics (formerly Invitae), Labcorp); PubMed 17576681 (cited by Labcorp Genetics (formerly Invitae), Labcorp); PubMed 9536098 (cited by Labcorp Genetics (formerly Invitae), Labcorp); PubMed 28679633 (cited by Labcorp Genetics (formerly Invitae), Labcorp and Laboratory for Molecular Medicine, Mass General Brigham Personalized Medicine); PubMed 32123317 (cited by Labcorp Genetics (formerly Invitae), Labcorp).